The following is an entry in ClinVar:

ClinVar aggregate classification (germline): Pathogenic. Review status: criteria provided, multiple submitters, no conflicts (2 of 4 stars). 3 submissions from 3 submitters: Pathogenic (2). 1 of the submissions does not count toward it. Last evaluated 2024-01-25.

Conditions:
Familial cancer of breast. Also called: Hereditary breast cancer; BREAST CANCER, FAMILIAL; hereditary breast carcinoma. Identifiers: Orphanet 227535, MedGen C0346153, MONDO:0016419, OMIM 114480. Disease mechanism: loss of function.
Ataxia-telangiectasia syndrome (AT). Also called: ATAXIA-TELANGIECTASIA, COMPLEMENTATION GROUP A; ATAXIA-TELANGIECTASIA, FRESNO VARIANT; Ataxia-telangiectasia; Ataxia telangiectasia (A-T); Cerebello-oculocutaneous telangiectasia; Immunodeficiency with ataxia telangiectasia. Identifiers: Orphanet 100, MedGen C0004135, MONDO:0008840, OMIM 208900.

Submissions (3):

Myriad Genetics, Inc.
Classification: Pathogenic for Familial cancer of breast. Last evaluated: 2024-01-25. Review status: criteria provided, single submitter. Criteria: Myriad Autosomal Dominant, Autosomal Recessive and X-Linked Classification Criteria (2023). Collection method: clinical testing. Allele origin: unknown.
Comment: This variant is considered pathogenic. This variant creates a frameshift predicted to result in premature protein truncation.

Labcorp Genetics (formerly Invitae), Labcorp
Classification: Pathogenic for Ataxia-telangiectasia syndrome. Last evaluated: 2019-03-11. Review status: criteria provided, single submitter. Criteria: Invitae Variant Classification Sherloc (09022015). Collection method: clinical testing. Allele origin: germline.
Comment: For these reasons, this variant has been classified as Pathogenic. Loss-of-function variants in ATM are known to be pathogenic (PMID: 23807571, 25614872). This variant has not been reported in the literature in individuals with ATM-related conditions. ClinVar contains an entry for this variant (Variation ID: 370779). This variant is not present in population databases (ExAC no frequency). This sequence change creates a premature translational stop signal (p.Cys1821Metfs*2) in the ATM gene. It is expected to result in an absent or disrupted protein product.

Counsyl
Classification: Likely pathogenic for Ataxia-telangiectasia syndrome. Last evaluated: 2016-04-15. Review status: no assertion criteria provided. Collection method: clinical testing. Allele origin: unknown. Not counted in ClinVar's aggregate classification.

Literature cited by the submitters: PubMed 23807571 (cited by Labcorp Genetics (formerly Invitae), Labcorp); PubMed 25614872 (cited by Labcorp Genetics (formerly Invitae), Labcorp).

NM_000051.4(ATM):c.5460dup (p.Cys1821fs)

Gene: ATM (ATM serine/threonine kinase; plus strand). Cytogenetic location: 11q22.3.
Variant type: Duplication.
Coding change: c.5460dup on transcript NM_000051.4 (MANE Select); coding-DNA position 5460, one base duplicated (A; older notation c.5460dupA).
Protein change: p.Cys1821fs; shifts the reading frame from cysteine 1821.
Molecular consequence: frameshift variant.
Genome position (GRCh38, 1-based): chr11:108,302,993, A duplicated; the last of 4 consecutive A bases (chr11:108,302,990-108,302,993); duplicating any one gives the same sequence. VCF-style (leftmost placement, unchanged base first): chr11-108302989-C-CA. GRCh37 (hg19) VCF-style: chr11-108173716-C-CA.
Other names: c.5460dupA (NM_000051.3); c.5460dup, p.Cys1821fs (NM_001351834.2); short protein forms C1821fs.
Identifiers: ClinVar variation 370779 (VCV000370779.11), dbSNP rs1057516760, ClinGen allele CA16041418.